The following is an entry in ClinVar:

NM_002439.5(MSH3):c.256A>G (p.Arg86Gly)

Gene: MSH3 (mutS homolog 3; plus strand). Cytogenetic location: 5q14.1.
Variant type: single nucleotide variant.
Coding change: c.256A>G on transcript NM_002439.5 (MANE Select); coding-DNA position 256, A replaced by G.
Protein change: p.Arg86Gly; replaces arginine 86 with glycine.
Molecular consequence: missense variant.
Genome position (GRCh38, 1-based): chr5:80,656,429, A>G. VCF-style: chr5-80656429-A-G. GRCh37 (hg19) VCF-style: chr5-79952248-A-G.
Other names: c.256A>G (NM_002439.3); short protein forms R86G.
Identifiers: ClinVar variation 2749958 (VCV002749958.4), dbSNP rs2546712136, ClinGen allele CA360266151.

ClinVar aggregate classification (germline): Uncertain significance. Review status: criteria provided, multiple submitters, no conflicts (2 of 4 stars). 2 submissions from 2 submitters: Uncertain significance (2). Last evaluated 2026-06-23.

Conditions:
Hereditary cancer-predisposing syndrome. Also called: Hereditary Cancer Syndrome; Hereditary neoplastic syndrome; Neoplastic Syndromes, Hereditary; Tumor predisposition. Identifiers: Orphanet 140162, MedGen C0027672, MeSH D009386, MONDO:0015356.

Submissions (2):

Ambry Genetics
Classification: Uncertain significance for Hereditary cancer-predisposing syndrome. Last evaluated: 2026-06-23. Review status: criteria provided, single submitter. Criteria: Ambry Variant Classification Scheme 2023. Collection method: clinical testing. Allele origin: germline.
Comment: The p.R86G variant (also known as c.256A>G), located in coding exon 2 of the MSH3 gene, results from an A to G substitution at nucleotide position 256. The arginine at codon 86 is replaced by glycine, an amino acid with dissimilar properties. This amino acid position is conserved. In addition, this alteration is predicted to be tolerated by in silico analysis. Based on the available evidence, the clinical significance of this variant remains unclear.

Labcorp Genetics (formerly Invitae), Labcorp
Classification: Uncertain significance. Last evaluated: 2023-08-04. Review status: criteria provided, single submitter. Criteria: Invitae Variant Classification Sherloc (09022015). Collection method: clinical testing. Allele origin: germline.
Comment: In summary, the available evidence is currently insufficient to determine the role of this variant in disease. Therefore, it has been classified as a Variant of Uncertain Significance. An algorithm developed to predict the effect of missense changes on protein structure and function (PolyPhen-2) suggests that this variant is likely to be tolerated. This variant has not been reported in the literature in individuals affected with MSH3-related conditions. This variant is not present in population databases (gnomAD no frequency). This sequence change replaces arginine, which is basic and polar, with glycine, which is neutral and non-polar, at codon 86 of the MSH3 protein (p.Arg86Gly).